The following is an entry in ClinVar:

ClinVar aggregate classification (germline): Uncertain significance (1 of 4 stars; one submission).

Submission:

Labcorp Genetics (formerly Invitae), Labcorp
Classification: Uncertain significance. Last evaluated: 2023-05-26. Review status: criteria provided, single submitter. Criteria: Invitae Variant Classification Sherloc (09022015). Collection method: clinical testing. Allele origin: germline.
Comment: This variant is present in population databases (rs754816916, gnomAD 0.0009%). This variant has not been reported in the literature in individuals affected with ANKRD26-related conditions. Variants that disrupt the consensus splice site are a relatively common cause of aberrant splicing (PMID: 17576681, 9536098). Algorithms developed to predict the effect of sequence changes on RNA splicing suggest that this variant may disrupt the consensus splice site. In summary, the available evidence is currently insufficient to determine the role of this variant in disease. Therefore, it has been classified as a Variant of Uncertain Significance. This sequence change falls in intron 31 of the ANKRD26 gene. It does not directly change the encoded amino acid sequence of the ANKRD26 protein. It affects a nucleotide within the consensus splice site.

Literature cited by the submitters: PubMed 17576681; PubMed 9536098.

NM_014915.3(ANKRD26):c.4724+3_4724+6del

Gene: ANKRD26 (ankyrin repeat domain 26; minus strand). Cytogenetic location: 10p12.1.
Variant type: Microsatellite.
Coding change: c.4724+3_4724+6del on transcript NM_014915.3 (MANE Select); bases 3 to 6 of the intron after coding-DNA position 4724, 4 bases deleted (AAGT; older notation c.4724+3_4724+6delAAGT).
Molecular consequence: splice donor variant.
Genome position (GRCh38, 1-based): chr10:27,014,488-27,014,491, ACTT deleted on the plus strand (AAGT on the coding strand, the reverse complement: ANKRD26 is on the minus strand); deleting any 4 consecutive bases within chr10:27,014,488-27,014,495 gives the same sequence; the c. name uses the placement nearest the transcript's 3' end. VCF-style (leftmost placement, unchanged base first): chr10-27014487-GACTT-G. GRCh37 (hg19) VCF-style: chr10-27303416-GACTT-G.
Other names: c.4721+3_4721+6del (NM_001256053.2).
Identifiers: ClinVar variation 2886848 (VCV002886848.3), dbSNP rs754816916, ClinGen allele CA5447741.
Genomic context (GRCh38, chr10:27,014,487, plus strand): 5'-AGAATTATGCTTTCAAGGCAAATTAATGAGCTTAATTTATTTCCTATGATTCTATATTTT[GACTT>G]ACTTGGTTAGTTTACTTGACAAAGATTTTCTAACTTTTAATTCTTCTAGATAGAGTTGCT-3'